The following is an entry in ClinVar:

ClinVar aggregate classification (germline): Pathogenic (1 of 4 stars; one submission).

Submission:

Labcorp Genetics (formerly Invitae), Labcorp
Classification: Pathogenic. Last evaluated: 2024-01-21. Review status: criteria provided, single submitter. Criteria: Invitae Variant Classification Sherloc (09022015). Collection method: clinical testing. Allele origin: germline.
Comment: This sequence change creates a premature translational stop signal (p.Gln276*) in the BCS1L gene. It is expected to result in an absent or disrupted protein product. Loss-of-function variants in BCS1L are known to be pathogenic (PMID: 12215968, 17314340, 19162478, 19508421, 22277166, 25895478). This variant is not present in population databases (gnomAD no frequency). This variant has not been reported in the literature in individuals affected with BCS1L-related conditions. For these reasons, this variant has been classified as Pathogenic.

Literature cited by the submitters: PubMed 12215968; PubMed 17314340; PubMed 19162478; PubMed 19508421; PubMed 22277166; PubMed 25895478.

NM_001079866.2(BCS1L):c.826C>T (p.Gln276Ter)

Gene: BCS1L (BCS1 ubiquinol-cytochrome c reductase complex chaperone; plus strand). Cytogenetic location: 2q35.
Variant type: single nucleotide variant.
Coding change: c.826C>T on transcript NM_001079866.2 (MANE Select); coding-DNA position 826, C replaced by T.
Protein change: p.Gln276Ter; replaces glutamine 276 with a stop codon.
Molecular consequence: nonsense. On other transcripts: non-coding transcript variant (1).
Genome position (GRCh38, 1-based): chr2:218,662,616, C>T. VCF-style: chr2-218662616-C-T. GRCh37 (hg19) VCF-style: chr2-219527339-C-T.
Other names: c.826C>T, p.Gln276Ter (NM_001257342.2, NM_001257343.2, NM_001257344.2 and 10 more transcripts); c.466C>T, p.Gln156Ter (NM_001318836.2, NM_001371451.1); c.325C>T, p.Gln109Ter (NM_001371452.1, NM_001371453.1, NM_001371454.1 and 3 more transcripts); short protein forms Q276*, Q109*, Q156*.
Identifiers: ClinVar variation 2710671 (VCV002710671.3), dbSNP rs2469890152, ClinGen allele CA350630471.
Genomic context (GRCh38, chr2:218,662,616, plus strand): 5'-CTCACGGACTCCAGCCTCTCTGATGACCGACTCAACCACCTGCTGAGCGTGGCCCCGCAG[C>T]AGAGCCTGGTACTCCTGGAGGATGTGGATGCTGCTTTTCTCAGTCGAGACTTGGCTGTGG-3'